The following is an entry in ClinVar:

ClinVar aggregate classification (germline): Benign (1 of 4 stars; one submission).

Allele frequency attached by ClinVar (database versions not stated): 1000 Genomes Project 0.50639; gnomAD 0.47552 and 0.47806; TOPMed 0.48073; 1000 Genomes Project 30x 0.50453.
gnomAD v4.1: 72,421 of 151,526 alleles (48%); highest among the groups gnomAD compares: East Asian, 55%; 17,481 homozygotes.

Submission:

GeneDx
Classification: Benign. Last evaluated: 2018-06-18. Review status: criteria provided, single submitter. Criteria: GeneDx Variant Classification (06012015). Collection method: clinical testing. Allele origin: germline. Affected: yes.
Comment: This variant is considered likely benign or benign based on one or more of the following criteria: it is a conservative change, it occurs at a poorly conserved position in the protein, it is predicted to be benign by multiple in silico algorithms, and/or has population frequency not consistent with disease.

NM_000426.4(LAMA2):c.5563-296C>T

Gene: LAMA2 (laminin subunit alpha 2; plus strand). Cytogenetic location: 6q22.33.
Variant type: single nucleotide variant.
Coding change: c.5563-296C>T on transcript NM_000426.4 (MANE Select); 296 bases into the intron before coding-DNA position 5563, C replaced by T.
Molecular consequence: intron variant.
Genome position (GRCh38, 1-based): chr6:129,402,028, C>T. VCF-style: chr6-129402028-C-T. GRCh37 (hg19) VCF-style: chr6-129723173-C-T.
Other names: c.5563-296C>T (NM_001079823.2).
Identifiers: ClinVar variation 671755 (VCV000671755.1), dbSNP rs4897312, ClinGen allele CA12278989.